The following is an entry in ClinVar:

NM_000932.5(PLCB3):c.1305C>T (p.Asp435=)

Gene: PLCB3 (phospholipase C beta 3; plus strand). Cytogenetic location: 11q13.1.
Variant type: single nucleotide variant.
Coding change: c.1305C>T on transcript NM_000932.5 (MANE Select); coding-DNA position 1305, C replaced by T.
Protein change: p.Asp435=; no amino-acid change (aspartic acid 435 retained).
Molecular consequence: synonymous variant.
Genome position (GRCh38, 1-based): chr11:64,258,936, C>T. VCF-style: chr11-64258936-C-T. GRCh37 (hg19) VCF-style: chr11-64026408-C-T.
Other names: c.1104C>T, p.Asp368= (NM_001184883.2); c.1305C>T, p.Asp435= (NM_001316314.3).
Identifiers: ClinVar variation 2641911 (VCV002641911.24), dbSNP rs147036605, ClinGen allele CA6071422.

ClinVar aggregate classification (germline): Likely benign (1 of 4 stars; one submission).

Allele frequency attached by ClinVar (database versions not stated): ExAC 0.00017; ESP Exome Variant Server 0.00023; gnomAD 0.00027; TOPMed 0.00031.
gnomAD v4.1: 480 of 1,613,816 alleles (0.03%); highest among the groups gnomAD compares: Non-Finnish European, 0.037%; 1 homozygote.

Submission:

CeGaT Center for Human Genetics Tuebingen
Classification: Likely benign. Last evaluated: 2023-08-01. Review status: criteria provided, single submitter. Criteria: CeGaT Center For Human Genetics Tuebingen Variant Classification Criteria Version 2. Collection method: clinical testing. Allele origin: germline. Affected: yes. Observed: 1 variant allele.
Comment: PLCB3: BP4, BP7